The following is an entry in ClinVar:

NM_020778.5(ALPK3):c.-83C>A

Gene: ALPK3 (alpha kinase 3; plus strand). Cytogenetic location: 15q25.3.
Variant type: single nucleotide variant.
Coding change: c.-83C>A on transcript NM_020778.5 (MANE Select); 83 bases upstream of the start codon, C replaced by A.
Molecular consequence: 5 prime UTR variant.
Genome position (GRCh38, 1-based): chr15:84,817,370, C>A. VCF-style: chr15-84817370-C-A. GRCh37 (hg19) VCF-style: chr15-85360601-C-A.
Identifiers: ClinVar variation 3291368 (VCV003291368.1).

ClinVar aggregate classification (germline): Uncertain significance (1 of 4 stars; one submission).

Conditions:
Cardiovascular phenotype. Identifiers: MedGen CN230736.

Submission:

Ambry Genetics
Classification: Uncertain significance for Cardiovascular phenotype. Last evaluated: 2024-03-29. Review status: criteria provided, single submitter. Criteria: Ambry Variant Classification Scheme 2023. Collection method: clinical testing. Allele origin: germline.
Comment: The p.A175E variant (also known as c.524C>A), located in coding exon 1 of the ALPK3 gene, results from a C to A substitution at nucleotide position 524. The alanine at codon 175 is replaced by glutamic acid, an amino acid with dissimilar properties. This amino acid position is conserved. In addition, this alteration is predicted to be tolerated by in silico analysis. Based on the available evidence, the clinical significance of this alteration remains unclear.